The following is an entry in ClinVar:

ClinVar aggregate classification (germline): Uncertain significance (1 of 4 stars; one submission).

Conditions:
Inborn genetic diseases. Identifiers: MedGen C0950123, MeSH D030342.

Submission:

Ambry Genetics
Classification: Uncertain significance for Inborn genetic diseases. Last evaluated: 2026-05-19. Review status: criteria provided, single submitter. Criteria: Ambry Variant Classification Scheme 2023. Collection method: clinical testing. Allele origin: germline.
Comment: The p.K143R variant (also known as c.428A>G), located in coding exon 5 of the FANCA gene, results from an A to G substitution at nucleotide position 428. The lysine at codon 143 is replaced by arginine, an amino acid with highly similar properties. This amino acid position is conserved. In addition, this alteration is predicted to be tolerated by in silico analysis. Based on the available evidence, the clinical significance of this variant remains unclear.

NM_000135.4(FANCA):c.428A>G (p.Lys143Arg)

Gene: FANCA (FA complementation group A; minus strand). Cytogenetic location: 16q24.3.
Variant type: single nucleotide variant.
Coding change: c.428A>G on transcript NM_000135.4 (MANE Select); coding-DNA position 428, A replaced by G.
Protein change: p.Lys143Arg; replaces lysine 143 with arginine.
Molecular consequence: missense variant. On other transcripts: intron variant (1).
Genome position (GRCh38, 1-based): chr16:89,810,801, T>C on the plus strand (A>G on the coding strand, the complement: FANCA is on the minus strand). VCF-style: chr16-89810801-T-C. GRCh37 (hg19) VCF-style: chr16-89877209-T-C.
Other names: c.428A>G, p.Lys143Arg (NM_001286167.3, NM_001018112.3); c.426+128A>G (NM_001351830.2); short protein forms K143R.
Identifiers: ClinVar variation 4870881 (VCV004870881.1).
Genomic context (GRCh38, chr16:89,810,801, plus strand): 5'-CGGGAGAACATACTGTGTGCCAATAAATACTGAGCAAACTCTAACAGGGAAGACAGCTTC[T>C]TCTGAAAAGAGAGATTACATTTTTTAAAAAACAAATTACCTGAAACAATACTAAAGCTAT-3'
Protein context (NP_000126.2, residues 133-153): HPVLLTVEQR[Lys143Arg]KLSSLLEFAQ